The following is an entry in ClinVar:

NM_000814.6(GABRB3):c.1136A>G (p.Asn379Ser)

Gene: GABRB3 (gamma-aminobutyric acid type A receptor subunit beta3; minus strand). Cytogenetic location: 15q12.
Variant type: single nucleotide variant.
Coding change: c.1136A>G on transcript NM_000814.6 (MANE Select); coding-DNA position 1136, A replaced by G.
Protein change: p.Asn379Ser; replaces asparagine 379 with serine.
Molecular consequence: missense variant.
Genome position (GRCh38, 1-based): chr15:26,548,079, T>C on the plus strand (A>G on the coding strand, the complement: GABRB3 is on the minus strand). VCF-style: chr15-26548079-T-C. GRCh37 (hg19) VCF-style: chr15-26793226-T-C.
Other names: c.881A>G, p.Asn294Ser (NM_001191320.2, NM_001278631.2); c.923A>G, p.Asn308Ser (NM_001191321.3); c.1136A>G, p.Asn379Ser (NM_021912.5); short protein forms N294S, N379S, N308S.
Identifiers: ClinVar variation 2044751 (VCV002044751.4), dbSNP rs1439421386, ClinGen allele CA391459308.

ClinVar aggregate classification (germline): Uncertain significance (1 of 4 stars; one submission).

Conditions:
Epilepsy, childhood absence, susceptibility to, 5. Identifiers: Orphanet 64280, MedGen C2677087, MONDO:0012843, OMIM 612269.
Epilepsy, childhood absence, susceptibility to, 1. Also called: Epilepsy, childhood absence 1. Identifiers: Orphanet 64280, MedGen C1838604, MONDO:0020759, OMIM 600131.

Allele frequency attached by ClinVar (database versions not stated): gnomAD exomes below 0.00001; TOPMed below 0.00001.
gnomAD v4.1: 4 of 1,614,176 alleles (0.00025%); highest among the groups gnomAD compares: Admixed American, 0.0017%; no homozygotes.

Submission:

Labcorp Genetics (formerly Invitae), Labcorp
Classification: Uncertain significance for Epilepsy, childhood absence, susceptibility to, 5; Epilepsy, childhood absence, susceptibility to, 1. Last evaluated: 2025-01-13. Review status: criteria provided, single submitter. Criteria: Invitae Variant Classification Sherloc (09022015). Collection method: clinical testing. Allele origin: germline.
Comment: This sequence change replaces asparagine, which is neutral and polar, with serine, which is neutral and polar, at codon 379 of the GABRB3 protein (p.Asn379Ser). This variant is present in population databases (no rsID available, gnomAD 0.003%). This variant has not been reported in the literature in individuals affected with GABRB3-related conditions. ClinVar contains an entry for this variant (Variation ID: 2044751). Invitae Evidence Modeling of protein sequence and biophysical properties (such as structural, functional, and spatial information, amino acid conservation, physicochemical variation, residue mobility, and thermodynamic stability) indicates that this missense variant is not expected to disrupt GABRB3 protein function with a negative predictive value of 95%. In summary, the available evidence is currently insufficient to determine the role of this variant in disease. Therefore, it has been classified as a Variant of Uncertain Significance.